The following is an entry in ClinVar:

NM_000092.5(COL4A4):c.965del (p.Pro322fs)

Gene: COL4A4 (collagen type IV alpha 4 chain; minus strand). Cytogenetic location: 2q36.3.
Variant type: Deletion.
Coding change: c.965del on transcript NM_000092.5 (MANE Select); coding-DNA position 965, one base deleted (C; older notation c.965delC).
Protein change: p.Pro322fs; shifts the reading frame from proline 322.
Molecular consequence: frameshift variant.
Genome position (GRCh38, 1-based): chr2:227,101,875, G deleted on the plus strand (C on the coding strand, the reverse complement: COL4A4 is on the minus strand); the first of 2 consecutive G bases (chr2:227,101,875-227,101,876); deleting either gives the same sequence. VCF-style (leftmost placement, unchanged base first): chr2-227101874-TG-T. GRCh37 (hg19) VCF-style: chr2-227966590-TG-T.
Other names: short protein forms P322fs.
Identifiers: ClinVar variation 5016129 (VCV005016129.1).

ClinVar aggregate classification (germline): Pathogenic (1 of 4 stars; one submission).

Conditions:
Alport syndrome. Also called: Hemorrhagic familial nephritis; Hemorrhagic hereditary nephritis; Congenital hereditary hematuria. Identifiers: Orphanet 63, MedGen C1567741, MONDO:0018965.

Submission:

Myriad Genetics, Inc.
Classification: Pathogenic for Alport syndrome. Last evaluated: 2026-07-14. Review status: criteria provided, single submitter. Criteria: Myriad Autosomal Dominant, Autosomal Recessive and X-Linked Classification Criteria (2023). Collection method: clinical testing. Allele origin: unknown.
Comment: NM_000092.4(COL4A4):c.965delC(P322Qfs*3) is expected to be pathogenic in the context of Alport syndrome, COL4A4-related. This variant is predicted to lead to an abnormal or absent protein product due to the creation of a premature termination codon in COL4A4, a gene where loss-of-function variants are known to be pathogenic. Please note: this variant was assessed in the context of healthy population screening.